The following is an entry in ClinVar:

ClinVar aggregate classification (germline): Benign/Likely benign. Review status: criteria provided, multiple submitters, no conflicts (2 of 4 stars). 3 submissions from 3 submitters: Benign (1); Likely benign (2). Last evaluated 2025-06-03.

Conditions:
GBF1-related disorder. Also called: GBF1-related condition.

Submissions (3):

PreventionGenetics, part of Exact Sciences
Classification: Likely benign for GBF1-related condition. Last evaluated: 2025-06-03. Review status: criteria provided, single submitter. Criteria: ACMG Guidelines, 2015. Collection method: clinical testing. Allele origin: germline.
Comment: This variant is classified as likely benign based on ACMG/AMP sequence variant interpretation guidelines (Richards et al. 2015 PMID: 25741868, with internal and published modifications).

Blueprint Genetics
Classification: Likely benign. Last evaluated: 2024-09-15. Review status: criteria provided, single submitter. Criteria: ACMG Guidelines, 2015. Collection method: clinical testing. Allele origin: germline.

Mayo Clinic Laboratories, Mayo Clinic
Classification: Benign. Last evaluated: 2023-01-25. Review status: criteria provided, single submitter. Criteria: ACMG Guidelines, 2015. Collection method: clinical testing. Allele origin: germline. Observed: 3 variant alleles.
Comment: BS1, BS2, BP4

NM_001377137.1(GBF1):c.1515G>C (p.Glu505Asp)

Gene: GBF1 (golgi brefeldin A resistant guanine nucleotide exchange factor 1; plus strand). Cytogenetic location: 10q24.32.
Variant type: single nucleotide variant.
Coding change: c.1515G>C on transcript NM_001377137.1 (MANE Select); coding-DNA position 1515, G replaced by C.
Protein change: p.Glu505Asp; replaces glutamic acid 505 with aspartic acid.
Molecular consequence: missense variant. On other transcripts: non-coding transcript variant (5), intron variant (2).
Genome position (GRCh38, 1-based): chr10:102,361,741, G>C. VCF-style: chr10-102361741-G-C. GRCh37 (hg19) VCF-style: chr10-104121498-G-C.
Other names: p.Glu504Asp; c.1390-734G>C (NM_001377139.1, NM_001377140.1); c.1515G>C, p.Glu505Asp (NM_001199378.2, NM_001391923.1, NM_001391926.1); c.1512G>C, p.Glu504Asp (NM_001199379.2, NM_001377138.1, NM_001377141.1 and 7 more transcripts); c.1611G>C, p.Glu537Asp (NM_001391922.1, NM_001411027.1); c.1134G>C, p.Glu378Asp (NM_001391931.1); c.1587G>C, p.Glu529Asp (NM_001411003.1); c.1512G>C (NM_004193.2); short protein forms E378D, E504D, E505D, E529D, E537D.
Identifiers: ClinVar variation 4683543 (VCV004683543.3).
Genomic context (GRCh38, chr10:102,361,741, plus strand): 5'-TTCCCCACCCAAATGGCAATTACTGGGTTATTGCCAGATGTACATCAAAAAGCTTATGGA[G>C]ATCATCACTGTGGAGAACCCCAAGATGCCTTATGAGATGAAGGAGATGGCACTGGAGGCC-3'
Protein context (NP_001364066.1, residues 495-515): QMEMYIKKLM[Glu505Asp]IITVENPKMP